The following is an entry in ClinVar:

NM_001354604.2(MITF):c.533C>G (p.Pro178Arg)

Gene: MITF (melanocyte inducing transcription factor; plus strand). Cytogenetic location: 3p13.
Variant type: single nucleotide variant.
Coding change: c.533C>G on transcript NM_001354604.2 (MANE Select); coding-DNA position 533, C replaced by G.
Protein change: p.Pro178Arg; replaces proline 178 with arginine.
Molecular consequence: missense variant. On other transcripts: intron variant (1).
Genome position (GRCh38, 1-based): chr3:69,938,000, C>G. VCF-style: chr3-69938000-C-G. GRCh37 (hg19) VCF-style: chr3-69987151-C-G.
Other names: c.530C>G, p.Pro177Arg (NM_001354605.2, NM_001354606.2, NM_006722.3); c.482C>G, p.Pro161Arg (NM_001354607.2); c.377C>G, p.Pro126Arg (NM_001354608.2, NM_001184967.2); c.212C>G, p.Pro71Arg (NM_198158.3, NM_000248.4, NM_001184968.2); c.533C>G, p.Pro178Arg (NM_198159.3); c.485C>G, p.Pro162Arg (NM_198177.3); c.93+119C>G (NM_198178.3); short protein forms P126R, P71R, P178R, P161R, P162R, P177R.
Identifiers: ClinVar variation 4055167 (VCV004055167.1).

ClinVar aggregate classification (germline): Uncertain significance (1 of 4 stars; one submission).

Conditions:
Hereditary cancer-predisposing syndrome. Also called: Neoplastic Syndromes, Hereditary; Tumor predisposition; Hereditary neoplastic syndrome; Hereditary Cancer Syndrome. Identifiers: Orphanet 140162, MedGen C0027672, MeSH D009386, MONDO:0015356.

gnomAD v4.1: 1 of 1,614,178 alleles (0.000062%); highest among the groups gnomAD compares: African/African-American, 0.0013%; no homozygotes.

Submission:

Ambry Genetics
Classification: Uncertain significance for Hereditary cancer-predisposing syndrome. Last evaluated: 2025-03-18. Review status: criteria provided, single submitter. Criteria: Ambry Variant Classification Scheme 2023. Collection method: clinical testing. Allele origin: germline.
Comment: The p.P71R variant (also known as c.212C>G), located in coding exon 2 of the MITF gene, results from a C to G substitution at nucleotide position 212. The proline at codon 71 is replaced by arginine, an amino acid with dissimilar properties. This amino acid position is conserved. In addition, this alteration is predicted to be deleterious by in silico analysis. Based on the available evidence, the clinical significance of this variant remains unclear.